The following is an entry in ClinVar:

ClinVar aggregate classification (germline): Pathogenic (1 of 4 stars; one submission).

Conditions:
Morquio syndrome. Also called: Mucopolysaccharidosis, Type IV; MPS IV; Mucopolysaccharidosis type 4; Eccentrochondrodysplasia. Identifiers: Orphanet 582, MedGen C0026707, MONDO:0018938.

Submission:

Women's Health and Genetics/Laboratory Corporation of America, LabCorp
Classification: Pathogenic for Morquio syndrome. Last evaluated: 2025-09-15. Review status: criteria provided, single submitter. Criteria: LabCorp Variant Classification Summary - May 2015. Collection method: clinical testing. Allele origin: germline.
Comment: Variant summary: The variant involves the deletion of exons 1-14 in the GALNS gene. This deletion includes the entire coding sequence of the gene. As the exact proximal and distal breakpoints are unknown, it may extend beyond the annotated region of the gene to include other flanking genes. A presumed nomenclature of c.(?_-71)_(*706_?)del has been designated for the purposes of this classification. The variant was absent in 21694 control chromosomes. Larger copy number events that include this gene has been reported in individual(s) affected with Mucopolysaccharidosis Type IVA (Morquio Syndrome A) (example: Fukuda_1996). The following publication has been ascertained in the context of this evaluation (PMID: 8829629). ClinVar contains an entry for this variant (Variation ID: 528326). Based on the evidence outlined above, the variant was classified as pathogenic.

Literature cited by the submitters: PubMed 8829629.

NC_000016.9:g.(?_88880141)_(88923356_?)del

Gene: GALNS (galactosamine (N-acetyl)-6-sulfatase; minus strand). Cytogenetic location: 16q24.3.
Variant type: Deletion.
Identifiers: ClinVar variation 4535535 (VCV004535535.1).